The following is an entry in ClinVar:

NM_001122681.2(SH3BP2):c.1252C>T (p.Pro418Ser)

Gene: SH3BP2 (SH3 domain binding protein 2; plus strand). Cytogenetic location: 4p16.3.
Variant type: single nucleotide variant.
Coding change: c.1252C>T on transcript NM_001122681.2 (MANE Select); coding-DNA position 1252, C replaced by T.
Protein change: p.Pro418Ser; replaces proline 418 with serine.
Molecular consequence: missense variant.
Genome position (GRCh38, 1-based): chr4:2,831,581, C>T. VCF-style: chr4-2831581-C-T. GRCh37 (hg19) VCF-style: chr4-2833308-C-T.
Other names: c.1252C>T, p.Pro418Ser (LRG_1334t1, NM_003023.4); c.1336C>T, p.Pro446Ser (LRG_1334t2, NM_001145855.2); c.1423C>T, p.Pro475Ser (NM_001145856.2); short protein forms P418S, P446S, P475S.
Identifiers: ClinVar variation 280675 (VCV000280675.5), dbSNP rs757336022, ClinGen allele CA10602925.

ClinVar aggregate classification (germline): Conflicting classifications of pathogenicity. Review status: criteria provided, conflicting classifications (1 of 4 stars). 3 submissions from 3 submitters: Pathogenic (1); Uncertain significance (1). 1 of the submissions does not count toward it. Last evaluated 2025-03-05.

Conditions:
Fibrous dysplasia of jaw (CRBM). Also called: Cherubism. Identifiers: Orphanet 184, MedGen C0008029, MONDO:0007315, OMIM 118400.

Submissions (3):

Labcorp Genetics (formerly Invitae), Labcorp
Classification: Uncertain significance for Fibrous dysplasia of jaw. Last evaluated: 2025-03-05. Review status: criteria provided, single submitter. Criteria: Invitae Variant Classification Sherloc (09022015). Collection method: clinical testing. Allele origin: germline.
Comment: This sequence change replaces proline, which is neutral and non-polar, with serine, which is neutral and polar, at codon 418 of the SH3BP2 protein (p.Pro418Ser). This variant is not present in population databases (gnomAD no frequency). This variant has not been reported in the literature in individuals affected with SH3BP2-related conditions. ClinVar contains an entry for this variant (Variation ID: 280675). Invitae Evidence Modeling of protein sequence and biophysical properties (such as structural, functional, and spatial information, amino acid conservation, physicochemical variation, residue mobility, and thermodynamic stability) has been performed for this missense variant. However, the output from this modeling did not meet the statistical confidence thresholds required to predict the impact of this variant on SH3BP2 protein function. This variant disrupts the p.Pro418 amino acid residue in SH3BP2. Other variant(s) that disrupt this residue have been determined to be pathogenic (PMID: 17321449, 23298620, 28644570). This suggests that this residue is clinically significant, and that variants that disrupt this residue are likely to be disease-causing. In summary, the available evidence is currently insufficient to determine the role of this variant in disease. Therefore, it has been classified as a Variant of Uncertain Significance.

GeneDx
Classification: Pathogenic. Last evaluated: 2022-11-17. Review status: criteria provided, single submitter. Criteria: GeneDx Variant Classification Process June 2021. Collection method: clinical testing. Allele origin: germline. Affected: yes.
Comment: Not observed at significant frequency in large population cohorts (gnomAD); In silico analysis supports that this missense variant has a deleterious effect on protein structure/function; Has not been previously published as pathogenic or benign to our knowledge

Service de Génétique Moléculaire, Hôpital Robert Debré
Classification: Likely benign for Fibrous dysplasia of jaw. Review status: no assertion criteria provided. Collection method: clinical testing. Allele origin: paternal. Affected: no. Not counted in ClinVar's aggregate classification.

Literature cited by the submitters: PubMed 17321449 (cited by Labcorp Genetics (formerly Invitae), Labcorp); PubMed 23298620 (cited by Labcorp Genetics (formerly Invitae), Labcorp); PubMed 28644570 (cited by Labcorp Genetics (formerly Invitae), Labcorp).